The following is an entry in ClinVar:

ClinVar aggregate classification (germline): Likely pathogenic (1 of 4 stars; one submission).

Conditions:
Mucopolysaccharidosis, MPS-II (MPS2). Also called: Hunter Syndrome; IDURONATE 2-SULFATASE DEFICIENCY; Mucopolysaccharidosis Type II; Mucopolysaccharidosis type 2; Attenuated MPS (subtype; formerly known as mild MPS II); Severe MPS II. Identifiers: Orphanet 580, Orphanet 79388, MedGen C0026705, MONDO:0010674, OMIM 309900.

Submission:

Laboratory of Diagnosis and Therapy of Lysosomal Disorders, University of Padova
Classification: Likely pathogenic for Mucopolysaccharidosis, MPS-II. Last evaluated: 2024-06-07. Review status: criteria provided, single submitter. Criteria: ACMG Guidelines, 2015. Collection method: literature only. Allele origin: germline. Affected: yes. Observed: 2 variant alleles.
Comment: Absent from controls (or at low frequency) in gnomAD database (PM2_Moderate), Missense variant in a gene with a low rate of benign missense variation (PP2_Supporting), Multiple lines of computational evidence support a deleterious effect (PP3_Supporting), Patient’s phenotype or family history highly specific for the disease (PP4_Strong)

Classification method: ACMG Guidelines [PMID:25741868] with modifications

Literature cited by the submitters: PubMed 9921913; PubMed 33676511.

NM_000202.8(IDS):c.160T>G (p.Tyr54Asp)

Gene: IDS (iduronate 2-sulfatase; minus strand). Cytogenetic location: Xq28.
Variant type: single nucleotide variant.
Coding change: c.160T>G on transcript NM_000202.8 (MANE Select); coding-DNA position 160, T replaced by G.
Protein change: p.Tyr54Asp; replaces tyrosine 54 with aspartic acid.
Molecular consequence: missense variant. On other transcripts: 5 prime UTR variant (1), non-coding transcript variant (1).
Genome position (GRCh38, 1-based): chrX:149,504,237, A>C on the plus strand (T>G on the coding strand, the complement: IDS is on the minus strand). VCF-style: chrX-149504237-A-C. GRCh37 (hg19) VCF-style: chrX-148585767-A-C.
Other names: c.-67T>G (NM_001166550.4); c.160T>G, p.Tyr54Asp (NM_006123.5); short protein forms Y54D.
Identifiers: ClinVar variation 3255951 (VCV003255951.2).